The following is an entry in ClinVar:

NM_138576.4(BCL11B):c.335C>T (p.Pro112Leu)

Gene: BCL11B (BCL11 transcription factor B; minus strand). Cytogenetic location: 14q32.2.
Variant type: single nucleotide variant.
Coding change: c.335C>T on transcript NM_138576.4 (MANE Select); coding-DNA position 335, C replaced by T.
Protein change: p.Pro112Leu; replaces proline 112 with leucine.
Molecular consequence: missense variant.
Genome position (GRCh38, 1-based): chr14:99,257,563, G>A on the plus strand (C>T on the coding strand, the complement: BCL11B is on the minus strand). VCF-style: chr14-99257563-G-A. GRCh37 (hg19) VCF-style: chr14-99723900-G-A.
Other names: c.332C>T, p.Pro111Leu (NM_001282237.2, NM_001282238.2); c.335C>T, p.Pro112Leu (NM_022898.3); short protein forms P111L, P112L.
Identifiers: ClinVar variation 1468822 (VCV001468822.7), dbSNP rs748592687, ClinGen allele CA7339914.

ClinVar aggregate classification (germline): Uncertain significance. Review status: criteria provided, multiple submitters, no conflicts (2 of 4 stars). 2 submissions from 2 submitters: Uncertain significance (2). Last evaluated 2025-11-18.

Allele frequency attached by ClinVar (database versions not stated): gnomAD exomes 0.00001 and 0.00003; TOPMed 0.00002; ExAC 0.00003; gnomAD 0.00003 and 0.00004.
gnomAD v4.1: 24 of 1,614,064 alleles (0.0015%); highest among the groups gnomAD compares: East Asian, 0.0067%; no homozygotes.

Submissions (2):

Labcorp Genetics (formerly Invitae), Labcorp
Classification: Uncertain significance. Last evaluated: 2025-11-18. Review status: criteria provided, single submitter. Criteria: Invitae Variant Classification Sherloc (09022015). Collection method: clinical testing. Allele origin: germline.
Comment: This sequence change replaces proline, which is neutral and non-polar, with leucine, which is neutral and non-polar, at codon 112 of the BCL11B protein (p.Pro112Leu). This variant is present in population databases (rs748592687, gnomAD 0.01%). This variant has not been reported in the literature in individuals affected with BCL11B-related conditions. ClinVar contains an entry for this variant (Variation ID: 1468822). Invitae Evidence Modeling of protein sequence and biophysical properties (such as structural, functional, and spatial information, amino acid conservation, physicochemical variation, residue mobility, and thermodynamic stability) has been performed for this missense variant. However, the output from this modeling did not meet the statistical confidence thresholds required to predict the impact of this variant on BCL11B protein function. In summary, the available evidence is currently insufficient to determine the role of this variant in disease. Therefore, it has been classified as a Variant of Uncertain Significance.

Breakthrough Genomics
Classification: Uncertain significance. Review status: criteria provided, single submitter. Criteria: ACMG Guidelines, 2015. Collection method: not provided. Allele origin: germline. Inheritance: Autosomal dominant inheritance. Affected: yes.